The following is an entry in ClinVar:

NM_000092.5(COL4A4):c.4195A>T (p.Met1399Leu)

Gene: COL4A4 (collagen type IV alpha 4 chain; minus strand). Cytogenetic location: 2q36.3.
Variant type: single nucleotide variant.
Coding change: c.4195A>T on transcript NM_000092.5 (MANE Select); coding-DNA position 4195, A replaced by T.
Protein change: p.Met1399Leu; replaces methionine 1399 with leucine.
Molecular consequence: missense variant.
Genome position (GRCh38, 1-based): chr2:227,022,069, T>A on the plus strand (A>T on the coding strand, the complement: COL4A4 is on the minus strand). VCF-style: chr2-227022069-T-A. GRCh37 (hg19) VCF-style: chr2-227886785-T-A.
Other names: short protein forms M1399L.
Identifiers: ClinVar variation 334706 (VCV000334706.21), dbSNP rs149117087, ClinGen allele CA2144255.
Genomic context (GRCh38, chr2:227,022,069, plus strand): 5'-TATCATGAAAATAATGAACAATCAGCATGCGGCTCATACCTGGTCCTGAGGGGCCTCTCA[T>A]TCCAGGGAGCCCCATGGCTCCTTCTGGTCCTCTCATGCCTGGCGCCCCAGGAAGGCCTGG-3'
Protein context (NP_000083.3, residues 1389-1409): GPEGAMGLPG[Met1399Leu]RGPSGPGCKG

ClinVar aggregate classification (germline): Benign/Likely benign. Review status: criteria provided, multiple submitters, no conflicts (2 of 4 stars). 6 submissions from 6 submitters: Benign (2); Likely benign (3). 1 of the submissions does not count toward it. Last evaluated 2026-01-26.

Conditions:
Alport syndrome. Also called: Hemorrhagic familial nephritis; Hemorrhagic hereditary nephritis; Congenital hereditary hematuria. Identifiers: Orphanet 63, MedGen C1567741, MONDO:0018965.

Allele frequency attached by ClinVar (database versions not stated): 1000 Genomes Project 0.00220; gnomAD 0.00019 and 0.00031; TOPMed 0.00063; ExAC 0.00078; gnomAD exomes 0.00085; 1000 Genomes Project 30x 0.00187.

Submissions (6):

Labcorp Genetics (formerly Invitae), Labcorp
Classification: Benign. Last evaluated: 2026-01-26. Review status: criteria provided, single submitter. Criteria: Invitae Variant Classification Sherloc (09022015). Collection method: clinical testing. Allele origin: germline.

Blueprint Genetics
Classification: Likely benign. Last evaluated: 2024-11-05. Review status: criteria provided, single submitter. Criteria: ACMG Guidelines, 2015. Collection method: clinical testing. Allele origin: germline.

GeneDx
Classification: Benign. Last evaluated: 2018-10-08. Review status: criteria provided, single submitter. Criteria: GeneDx Variant Classification Process June 2021. Collection method: clinical testing. Allele origin: germline. Affected: yes.
Comment: This variant is associated with the following publications: (PMID: 28674241, 29138824)

Illumina Laboratory Services, Illumina
Classification: Likely benign for Alport syndrome. Last evaluated: 2018-01-12. Review status: criteria provided, single submitter. Criteria: ICSL Variant Classification Criteria 13 December 2019. Collection method: clinical testing. Allele origin: germline.
Comment: This variant was observed in the ICSL laboratory as part of a predisposition screen in an ostensibly healthy population. It had not been previously curated by ICSL or reported in the Human Gene Mutation Database (HGMD: prior to June 1st, 2018), and was therefore a candidate for classification through an automated scoring system. Utilizing variant allele frequency, disease prevalence and penetrance estimates, and inheritance mode, an automated score was calculated to assess if this variant is too frequent to cause the disease. Based on the score and internal cut-off values, a variant classified as likely benign is not then subjected to further curation. The score for this variant resulted in a classification of likely benign for this disease.

Breakthrough Genomics
Classification: Likely benign. Review status: criteria provided, single submitter. Criteria: ACMG Guidelines, 2015. Collection method: not provided. Allele origin: germline. Inheritance: Autosomal recessive inheritance. Affected: yes.

Natera, Inc.
Classification: Benign for Alport syndrome. Last evaluated: 2020-05-30. Review status: no assertion criteria provided. Collection method: clinical testing. Allele origin: germline. Not counted in ClinVar's aggregate classification.